The following is an entry in ClinVar:

ClinVar aggregate classification (germline): Uncertain significance (1 of 4 stars; one submission).

Conditions:
Familial temporal lobe epilepsy 7. Identifiers: Orphanet 101046, MedGen C4225327, MONDO:0014639, OMIM 616436.
Norman-Roberts syndrome (LIS2). Also called: Lissencephaly 2 (Norman-Roberts type). Identifiers: Orphanet 89844, MedGen C0796089, MONDO:0009760, OMIM 257320.

Allele frequency attached by ClinVar (database versions not stated): gnomAD exomes 0.00001; ExAC 0.00002.
gnomAD v4.1: 5 of 1,614,064 alleles (0.00031%); highest among the groups gnomAD compares: Non-Finnish European, 0.00042%; no homozygotes.

Submission:

Labcorp Genetics (formerly Invitae), Labcorp
Classification: Uncertain significance for Familial temporal lobe epilepsy 7; Norman-Roberts syndrome. Last evaluated: 2022-10-13. Review status: criteria provided, single submitter. Criteria: Invitae Variant Classification Sherloc (09022015). Collection method: clinical testing. Allele origin: germline.
Comment: In summary, the available evidence is currently insufficient to determine the role of this variant in disease. Therefore, it has been classified as a Variant of Uncertain Significance. Advanced modeling of protein sequence and biophysical properties (such as structural, functional, and spatial information, amino acid conservation, physicochemical variation, residue mobility, and thermodynamic stability) performed at Invitae indicates that this missense variant is not expected to disrupt RELN protein function. This variant has not been reported in the literature in individuals affected with RELN-related conditions. This variant is present in population databases (rs779627426, gnomAD 0.003%). This sequence change replaces aspartic acid, which is acidic and polar, with glycine, which is neutral and non-polar, at codon 1611 of the RELN protein (p.Asp1611Gly).

NM_005045.4(RELN):c.4832A>G (p.Asp1611Gly)

Gene: RELN (reelin; minus strand). Cytogenetic location: 7q22.1.
Variant type: single nucleotide variant.
Coding change: c.4832A>G on transcript NM_005045.4 (MANE Select); coding-DNA position 4832, A replaced by G.
Protein change: p.Asp1611Gly; replaces aspartic acid 1611 with glycine.
Molecular consequence: missense variant.
Genome position (GRCh38, 1-based): chr7:103,566,328, T>C on the plus strand (A>G on the coding strand, the complement: RELN is on the minus strand). VCF-style: chr7-103566328-T-C. GRCh37 (hg19) VCF-style: chr7-103206775-T-C.
Other names: c.4832A>G, p.Asp1611Gly (NM_173054.3); short protein forms D1611G.
Identifiers: ClinVar variation 2024263 (VCV002024263.4), dbSNP rs779627426, ClinGen allele CA4421399.